The following is an entry in ClinVar:

NM_015978.3(TNNI3K):c.1133G>A (p.Gly378Asp)

Genes: FPGT-TNNI3K (FPGT-TNNI3K readthrough; plus strand), TNNI3K (TNNI3 interacting kinase; plus strand). Cytogenetic location: 1p31.1.
Variant type: single nucleotide variant.
Coding change: c.1133G>A on transcript NM_015978.3 (MANE Select); coding-DNA position 1133, G replaced by A.
Protein change: p.Gly378Asp; replaces glycine 378 with aspartic acid.
Molecular consequence: missense variant.
Genome position (GRCh38, 1-based): chr1:74,354,085, G>A. VCF-style: chr1-74354085-G-A. GRCh37 (hg19) VCF-style: chr1-74819769-G-A.
Other names: c.1133G>A (NM_015978.2); c.1436G>A, p.Gly479Asp (NM_001112808.3, NM_001199327.2); short protein forms G378D, G479D.
Identifiers: ClinVar variation 2070180 (VCV002070180.5), dbSNP rs774683822, ClinGen allele CA909163.
Genomic context (GRCh38, chr1:74,354,085, plus strand): 5'-TCTTACTGGATAATGGAGCTGATATGAATCTAGTGGCTTGTGATCCCAGCAGGTCTAGTG[G>A]TGAAAAAGATGAGCAGACATGTTTGATGTGGGCTTATGAAAAAGGTATATTTTTAATCAT-3'
Protein context (NP_057062.1, residues 368-388): LVACDPSRSS[Gly378Asp]EKDEQTCLMW

ClinVar aggregate classification (germline): Uncertain significance. Review status: criteria provided, multiple submitters, no conflicts (2 of 4 stars). 2 submissions from 2 submitters: Uncertain significance (2). Last evaluated 2025-10-13.

Conditions:
Inborn genetic diseases. Identifiers: MedGen C0950123, MeSH D030342.

Allele frequency attached by ClinVar (database versions not stated): gnomAD exomes below 0.00001; gnomAD 0.00001; ExAC 0.00002.
gnomAD v4.1: 3 of 1,613,894 alleles (0.00019%); highest among the groups gnomAD compares: South Asian, 0.0033%; no homozygotes.

Submissions (2):

Labcorp Genetics (formerly Invitae), Labcorp
Classification: Uncertain significance. Last evaluated: 2025-10-13. Review status: criteria provided, single submitter. Criteria: Invitae Variant Classification Sherloc (09022015). Collection method: clinical testing. Allele origin: germline.
Comment: This sequence change replaces glycine, which is neutral and non-polar, with aspartic acid, which is acidic and polar, at codon 378 of the TNNI3K protein (p.Gly378Asp). This variant is present in population databases (rs774683822, gnomAD 0.003%). This variant has not been reported in the literature in individuals affected with TNNI3K-related conditions. ClinVar contains an entry for this variant (Variation ID: 2070180). Invitae Evidence Modeling of protein sequence and biophysical properties (such as structural, functional, and spatial information, amino acid conservation, physicochemical variation, residue mobility, and thermodynamic stability) indicates that this missense variant is not expected to disrupt TNNI3K protein function with a negative predictive value of 80%. In summary, the available evidence is currently insufficient to determine the role of this variant in disease. Therefore, it has been classified as a Variant of Uncertain Significance.

Ambry Genetics
Classification: Uncertain significance for Inborn genetic diseases. Last evaluated: 2025-03-14. Review status: criteria provided, single submitter. Criteria: Ambry Variant Classification Scheme 2023. Collection method: clinical testing. Allele origin: germline.